The following is an entry in ClinVar:

ClinVar aggregate classification (germline): Uncertain significance (1 of 4 stars; one submission).

gnomAD v4.1: 21 of 1,613,780 alleles (0.0013%); highest among the groups gnomAD compares: Non-Finnish European, 0.0017%; no homozygotes.

Submission:

GeneDx
Classification: Uncertain significance. Last evaluated: 2020-09-08. Review status: criteria provided, single submitter. Criteria: GeneDx Variant Classification Process June 2021. Collection method: clinical testing. Allele origin: germline. Affected: yes.
Comment: In silico analysis supports that this missense variant has a deleterious effect on protein structure/function; Has not been previously published as pathogenic or benign to our knowledge; Not observed at a significant frequency in large population cohorts (Lek et al., 2016)

NM_002472.3(MYH8):c.4649C>G (p.Ala1550Gly)

Genes: MYH8 (myosin heavy chain 8; minus strand), MYHAS (myosin heavy chain gene cluster antisense RNA; plus strand). Cytogenetic location: 17p13.1.
Variant type: single nucleotide variant.
Coding change: c.4649C>G on transcript NM_002472.3 (MANE Select); coding-DNA position 4649, C replaced by G.
Protein change: p.Ala1550Gly; replaces alanine 1550 with glycine.
Molecular consequence: missense variant.
Genome position (GRCh38, 1-based): chr17:10,396,334, G>C on the plus strand (C>G on the coding strand, the complement: MYH8 is on the minus strand). VCF-style: chr17-10396334-G-C. GRCh37 (hg19) VCF-style: chr17-10299651-G-C.
Other names: short protein forms A1550G.
Identifiers: ClinVar variation 1201662 (VCV001201662.3), dbSNP rs1344875858, ClinGen allele CA398096869.